The following is an entry in ClinVar:

ClinVar aggregate classification (germline): Uncertain significance. Review status: criteria provided, multiple submitters, no conflicts (2 of 4 stars). 2 submissions from 2 submitters: Uncertain significance (2). Last evaluated 2023-03-07.

Conditions:
Fanconi anemia (FA). Also called: Fanconi's anemia. Identifiers: Orphanet 84, MedGen C0015625, MeSH D005199, MONDO:0019391.

Submissions (2):

GeneDx
Classification: Uncertain significance. Last evaluated: 2023-03-07. Review status: criteria provided, single submitter. Criteria: GeneDx Variant Classification Process June 2021. Collection method: clinical testing. Allele origin: germline. Affected: yes.
Comment: Not observed at significant frequency in large population cohorts (gnomAD); In silico analysis supports that this missense variant does not alter protein structure/function; Has not been previously published as pathogenic or benign to our knowledge

Labcorp Genetics (formerly Invitae), Labcorp
Classification: Uncertain significance for Fanconi anemia. Last evaluated: 2021-09-29. Review status: criteria provided, single submitter. Criteria: Invitae Variant Classification Sherloc (09022015). Collection method: clinical testing. Allele origin: germline.
Comment: This variant is not present in population databases (ExAC no frequency). This sequence change replaces asparagine with lysine at codon 1273 of the FANCM protein (p.Asn1273Lys). The asparagine residue is weakly conserved and there is a moderate physicochemical difference between asparagine and lysine. This variant has not been reported in the literature in individuals affected with FANCM-related conditions. In summary, the available evidence is currently insufficient to determine the role of this variant in disease. Therefore, it has been classified as a Variant of Uncertain Significance. Algorithms developed to predict the effect of missense changes on protein structure and function (SIFT, PolyPhen-2, Align-GVGD) all suggest that this variant is likely to be tolerated.

NM_020937.4(FANCM):c.3819T>A (p.Asn1273Lys)

Gene: FANCM (FA complementation group M; plus strand). Cytogenetic location: 14q21.2.
Variant type: single nucleotide variant.
Coding change: c.3819T>A on transcript NM_020937.4 (MANE Select); coding-DNA position 3819, T replaced by A.
Protein change: p.Asn1273Lys; replaces asparagine 1273 with lysine.
Molecular consequence: missense variant.
Genome position (GRCh38, 1-based): chr14:45,176,573, T>A. VCF-style: chr14-45176573-T-A. GRCh37 (hg19) VCF-style: chr14-45645776-T-A.
Other names: c.3819T>A (NM_020937.2); c.3741T>A, p.Asn1247Lys (NM_001308133.2); short protein forms N1247K, N1273K.
Identifiers: ClinVar variation 1404607 (VCV001404607.6), dbSNP rs2139251440, ClinGen allele CA389603169.